The following is an entry in ClinVar:

NM_001128840.3(CACNA1D):c.5659C>T (p.Pro1887Ser)

Gene: CACNA1D (calcium voltage-gated channel subunit alpha1 D; plus strand). Cytogenetic location: 3p21.1.
Variant type: single nucleotide variant.
Coding change: c.5659C>T on transcript NM_001128840.3 (MANE Select); coding-DNA position 5659, C replaced by T.
Protein change: p.Pro1887Ser; replaces proline 1887 with serine.
Molecular consequence: missense variant.
Genome position (GRCh38, 1-based): chr3:53,805,056, C>T. VCF-style: chr3-53805056-C-T. GRCh37 (hg19) VCF-style: chr3-53839083-C-T.
Other names: c.5719C>T, p.Pro1907Ser (NM_000720.4); c.5587C>T, p.Pro1863Ser (NM_001128839.3); short protein forms P1887S, P1907S, P1863S.
Identifiers: ClinVar variation 4703071 (VCV004703071.1).

ClinVar aggregate classification (germline): Uncertain significance (1 of 4 stars; one submission).

gnomAD v4.1: 22 of 1,614,044 alleles (0.0014%); highest among the groups gnomAD compares: Non-Finnish European, 0.0017%; no homozygotes.

Submission:

Labcorp Genetics (formerly Invitae), Labcorp
Classification: Uncertain significance. Last evaluated: 2025-08-25. Review status: criteria provided, single submitter. Criteria: Invitae Variant Classification Sherloc (09022015). Collection method: clinical testing. Allele origin: germline.
Comment: This sequence change replaces proline, which is neutral and non-polar, with serine, which is neutral and polar, at codon 1907 of the CACNA1D protein (p.Pro1907Ser). This variant is present in population databases (no rsID available, gnomAD 0.007%). This variant has not been reported in the literature in individuals affected with CACNA1D-related conditions. An algorithm developed to predict the effect of missense changes on protein structure and function (PolyPhen-2) suggests that this variant is likely to be tolerated. In summary, the available evidence is currently insufficient to determine the role of this variant in disease. Therefore, it has been classified as a Variant of Uncertain Significance.